The following is an entry in ClinVar:

ClinVar aggregate classification (germline): Uncertain significance (1 of 4 stars; one submission).

gnomAD v4.1: 1 of 1,551,800 alleles (0.000064%); no homozygotes.

Submission:

Labcorp Genetics (formerly Invitae), Labcorp
Classification: Uncertain significance. Last evaluated: 2022-08-16. Review status: criteria provided, single submitter. Criteria: Invitae Variant Classification Sherloc (09022015). Collection method: clinical testing. Allele origin: germline.
Comment: Advanced modeling of protein sequence and biophysical properties (such as structural, functional, and spatial information, amino acid conservation, physicochemical variation, residue mobility, and thermodynamic stability) performed at Invitae indicates that this missense variant is not expected to disrupt CPLANE1 protein function. ClinVar contains an entry for this variant (Variation ID: 1469338). This variant has not been reported in the literature in individuals affected with CPLANE1-related conditions. This variant is not present in population databases (gnomAD no frequency). This sequence change replaces glutamine, which is neutral and polar, with glutamic acid, which is acidic and polar, at codon 1039 of the CPLANE1 protein (p.Gln1039Glu). In summary, the available evidence is currently insufficient to determine the role of this variant in disease. Therefore, it has been classified as a Variant of Uncertain Significance.

NM_001384732.1(CPLANE1):c.3115C>G (p.Gln1039Glu)

Gene: CPLANE1 (ciliogenesis and planar polarity effector complex subunit 1; minus strand). Cytogenetic location: 5p13.2.
Variant type: single nucleotide variant.
Coding change: c.3115C>G on transcript NM_001384732.1 (MANE Select); coding-DNA position 3115, C replaced by G.
Protein change: p.Gln1039Glu; replaces glutamine 1039 with glutamic acid.
Molecular consequence: missense variant.
Genome position (GRCh38, 1-based): chr5:37,206,231, G>C on the plus strand (C>G on the coding strand, the complement: CPLANE1 is on the minus strand). VCF-style: chr5-37206231-G-C. GRCh37 (hg19) VCF-style: chr5-37206333-G-C.
Other names: c.3115C>G, p.Gln1039Glu (NM_023073.4); short protein forms Q1039E.
Identifiers: ClinVar variation 1469338 (VCV001469338.6), dbSNP rs1161096932, ClinGen allele CA359515955.